The following is an entry in ClinVar:

NM_004360.5(CDH1):c.1446A>T (p.Glu482Asp)

Gene: CDH1 (cadherin 1; plus strand). Cytogenetic location: 16q22.1.
Variant type: single nucleotide variant.
Coding change: c.1446A>T on transcript NM_004360.5 (MANE Select); coding-DNA position 1446, A replaced by T.
Protein change: p.Glu482Asp; replaces glutamic acid 482 with aspartic acid.
Molecular consequence: missense variant. On other transcripts: 5 prime UTR variant (2).
Genome position (GRCh38, 1-based): chr16:68,815,640, A>T. VCF-style: chr16-68815640-A-T. GRCh37 (hg19) VCF-style: chr16-68849543-A-T.
Other names: c.1446A>T (LRG_301t1); c.1263A>T, p.Glu421Asp (NM_001317184.2); c.-103A>T (NM_001317185.2); c.-374A>T (NM_001317186.2); short protein forms E482D, E421D.
Identifiers: ClinVar variation 216587 (VCV000216587.21), dbSNP rs863224724, ClinGen allele CA336130.
Genomic context (GRCh38, chr16:68,815,640, plus strand): 5'-TGAGGTCTCTCTCACCACCTCCACAGCCACCGTCACCGTGGATGTGCTGGATGTGAATGA[A>T]GCCCCCATCTTTGTGCCTCCTGAAAAGAGAGTGGAAGTGTCCGAGGACTTTGGCGTGGGC-3'
Protein context (NP_004351.1, residues 472-492): TVTVDVLDVN[Glu482Asp]APIFVPPEKR

ClinVar aggregate classification (germline): Conflicting classifications of pathogenicity. Review status: criteria provided, conflicting classifications (1 of 4 stars). 6 submissions from 6 submitters: Uncertain significance (5); Likely benign (1). Last evaluated 2025-01-03.

Conditions:
Hereditary cancer-predisposing syndrome. Also called: Tumor predisposition; Hereditary Cancer Syndrome; Neoplastic Syndromes, Hereditary; Hereditary neoplastic syndrome. Identifiers: Orphanet 140162, MedGen C0027672, MeSH D009386, MONDO:0015356.
Hereditary diffuse gastric adenocarcinoma (HDGC). Also called: DIFFUSE GASTRIC AND LOBULAR BREAST CANCER SYNDROME. Identifiers: Orphanet 26106, MedGen C1708349, MONDO:0007648, OMIM 137215.

Allele frequency attached by ClinVar (database versions not stated): gnomAD exomes below 0.00001; TOPMed below 0.00001; gnomAD 0.00001.
gnomAD v4.1: 4 of 1,614,080 alleles (0.00025%); highest among the groups gnomAD compares: Non-Finnish European, 0.00034%; no homozygotes.

Submissions (6):

Institute for Biomarker Research, Medical Diagnostic Laboratories, L.L.C.
Classification: Uncertain significance for Hereditary cancer-predisposing syndrome. Last evaluated: 2025-01-03. Review status: criteria provided, single submitter. Criteria: ACMG Guidelines, 2015. Collection method: clinical testing. Allele origin: germline.
Comment: The missense variant NM_004360.5(CDH1):c.1446A>T (p.Glu482Asp) has not been reported previously as a pathogenic variant, to our knowledge. The p.Glu482Asp variant is novel (not in any individuals) in gnomAD. There is a small physicochemical difference between glutamic acid and aspartic acid, which is not likely to impact secondary protein structure as these residues share similar properties. The gene CDH1 has a low rate of benign missense variation as indicated by a high missense variants Z-Score of 1.89. For these reasons, this variant has been classified as Uncertain Significance.

Myriad Genetics, Inc.
Classification: Likely benign for Hereditary diffuse gastric adenocarcinoma. Last evaluated: 2024-09-19. Review status: criteria provided, single submitter. Criteria: Myriad Autosomal Dominant, Autosomal Recessive and X-Linked Classification Criteria (2023). Collection method: clinical testing. Allele origin: unknown.
Comment: This variant is considered likely benign. Homozygosity has been confirmed in one or more individuals. As homozygosity for pathogenic variants in this gene is generally assumed to result in embryonic lethality, this variant is unlikely to be pathogenic.

Labcorp Genetics (formerly Invitae), Labcorp
Classification: Uncertain significance for Hereditary diffuse gastric adenocarcinoma. Last evaluated: 2024-04-14. Review status: criteria provided, single submitter. Criteria: Invitae Variant Classification Sherloc (09022015). Collection method: clinical testing. Allele origin: germline.
Comment: This sequence change replaces glutamic acid, which is acidic and polar, with aspartic acid, which is acidic and polar, at codon 482 of the CDH1 protein (p.Glu482Asp). This variant is present in population databases (no rsID available, gnomAD 0.007%). This variant has not been reported in the literature in individuals affected with CDH1-related conditions. ClinVar contains an entry for this variant (Variation ID: 216587). An algorithm developed to predict the effect of missense changes on protein structure and function (PolyPhen-2) suggests that this variant is likely to be disruptive. In summary, the available evidence is currently insufficient to determine the role of this variant in disease. Therefore, it has been classified as a Variant of Uncertain Significance.

Color Diagnostics, LLC DBA Color Health
Classification: Uncertain significance for Hereditary cancer-predisposing syndrome. Last evaluated: 2023-12-04. Review status: criteria provided, single submitter. Criteria: ACMG Guidelines, 2015. Collection method: clinical testing. Allele origin: germline.
Comment: This missense variant replaces glutamic acid with aspartic acid at codon 482 of the CDH1 protein. To our knowledge, functional studies have not been reported for this variant. This variant has not been reported in individuals affected with CDH1-related disorders in the literature. This variant has been identified in 1/31388 chromosomes in the general population by the Genome Aggregation Database (gnomAD). The available evidence is insufficient to determine the role of this variant in disease conclusively. Therefore, this variant is classified as a Variant of Uncertain Significance.

Ambry Genetics
Classification: Uncertain significance for Hereditary cancer-predisposing syndrome. Last evaluated: 2023-08-17. Review status: criteria provided, single submitter. Criteria: Ambry Variant Classification Scheme 2023. Collection method: clinical testing. Allele origin: germline.
Comment: The p.E482D variant (also known as c.1446A>T), located in coding exon 10 of the CDH1 gene, results from an A to T substitution at nucleotide position 1446. The glutamic acid at codon 482 is replaced by aspartic acid, an amino acid with highly similar properties. This amino acid position is highly conserved in available vertebrate species. In addition, the in silico prediction for this alteration is inconclusive. Since supporting evidence is limited at this time, the clinical significance of this alteration remains unclear.

GeneDx
Classification: Uncertain significance. Last evaluated: 2017-03-28. Review status: criteria provided, single submitter. Criteria: GeneDx Variant Classification (06012015). Collection method: clinical testing. Allele origin: germline. Affected: yes.
Comment: This variant is denoted CDH1 c.1446A>T at the cDNA level, p.Glu482Asp (E482D) at the protein level, and results in the change of a Glutamic Acid to an Aspartic Acid (GAA>GAT). This variant has not, to our knowledge, been published in the literature as pathogenic or benign. CDH1 Glu482Asp was not observed in large population cohorts (NHLBI Exome Sequencing Project, The 1000 Genomes Consortium 2015, Lek 2016). Since Glutamic Acid and Aspartic Acid share similar properties, this is considered a conservative amino acid substitution. CDH1 Glu482Asp occurs at a position that is conserved across species and is located in the Cadherin 3 domain (Brooks-Wilson 2004, Figueiredo 2013). In silico analyses predict that this variant is probably damaging to protein structure and function. Based on currently available evidence, it is unclear whether CDH1 Glu482Asp is a pathogenic or benign variant. We consider it to be a variant of uncertain significance.